The following is an entry in ClinVar:

ClinVar aggregate classification (germline): Uncertain significance. Review status: criteria provided, multiple submitters, no conflicts (2 of 4 stars). 2 submissions from 2 submitters: Uncertain significance (2). Last evaluated 2026-04-13.

Conditions:
DICER1-related tumor predisposition. Also called: DICER1 syndrome; DICER1-related pleuropulmonary blastoma cancer predisposition syndrome. Identifiers: Orphanet 284343, MedGen C3839822, MONDO:0100216.
Hereditary cancer-predisposing syndrome. Also called: Tumor predisposition; Hereditary neoplastic syndrome; Neoplastic Syndromes, Hereditary; Hereditary Cancer Syndrome. Identifiers: Orphanet 140162, MedGen C0027672, MeSH D009386, MONDO:0015356.

Allele frequency attached by ClinVar (database versions not stated): gnomAD exomes below 0.00001; TOPMed below 0.00001.
gnomAD v4.1: 2 of 1,613,940 alleles (0.00012%); highest among the groups gnomAD compares: Non-Finnish European, 0.00017%; no homozygotes.

Submissions (2):

Ambry Genetics
Classification: Uncertain significance for Hereditary cancer-predisposing syndrome. Last evaluated: 2026-04-13. Review status: criteria provided, single submitter. Criteria: Ambry Variant Classification Scheme 2023. Collection method: clinical testing. Allele origin: germline.
Comment: The p.P1917T variant (also known as c.5749C>A), located in coding exon 26 of the DICER1 gene, results from a C to A substitution at nucleotide position 5749. The proline at codon 1917 is replaced by threonine, an amino acid with highly similar properties. This amino acid position is conserved. In addition, the in silico prediction for this alteration is inconclusive. Based on the available evidence, the clinical significance of this variant remains unclear.

Labcorp Genetics (formerly Invitae), Labcorp
Classification: Uncertain significance for DICER1-related tumor predisposition. Last evaluated: 2023-07-16. Review status: criteria provided, single submitter. Criteria: Invitae Variant Classification Sherloc (09022015). Collection method: clinical testing. Allele origin: germline.
Comment: In summary, the available evidence is currently insufficient to determine the role of this variant in disease. Therefore, it has been classified as a Variant of Uncertain Significance. An algorithm developed to predict the effect of missense changes on protein structure and function (PolyPhen-2) suggests that this variant is likely to be tolerated. This variant has not been reported in the literature in individuals affected with DICER1-related conditions. This variant is not present in population databases (gnomAD no frequency). This sequence change replaces proline, which is neutral and non-polar, with threonine, which is neutral and polar, at codon 1917 of the DICER1 protein (p.Pro1917Thr).

NM_177438.3(DICER1):c.5749C>A (p.Pro1917Thr)

Gene: DICER1 (dicer 1, ribonuclease III; minus strand). Cytogenetic location: 14q32.13.
Variant type: single nucleotide variant.
Coding change: c.5749C>A on transcript NM_177438.3 (MANE Select); coding-DNA position 5749, C replaced by A.
Protein change: p.Pro1917Thr; replaces proline 1917 with threonine.
Molecular consequence: missense variant. On other transcripts: non-coding transcript variant (6), 3 prime UTR variant (1).
Genome position (GRCh38, 1-based): chr14:95,090,518, G>T on the plus strand (C>A on the coding strand, the complement: DICER1 is on the minus strand). VCF-style: chr14-95090518-G-T. GRCh37 (hg19) VCF-style: chr14-95556855-G-T.
Other names: c.5749C>A, p.Pro1917Thr (NM_001395681.1, NM_001395682.1, NM_001395683.1 and 8 more transcripts); c.5467C>A, p.Pro1823Thr (NM_001395686.1); c.5344C>A, p.Pro1782Thr (NM_001395687.1, NM_001395688.1, NM_001395689.1 and 1 more transcripts); c.5182C>A, p.Pro1728Thr (NM_001395691.1); c.4066C>A, p.Pro1356Thr (NM_001395697.1); c.*96C>A (NM_001195573.1); short protein forms P1823T, P1782T, P1917T, P1356T, P1728T.
Identifiers: ClinVar variation 2785827 (VCV002785827.4), dbSNP rs1889698460, ClinGen allele CA390862915.